The following is an entry in ClinVar:

ClinVar aggregate classification (germline): Uncertain significance (1 of 4 stars; one submission).

Conditions:
Spastic paraplegia. Identifiers: MedGen C0037772, HP:0001258.

Allele frequency attached by ClinVar (database versions not stated): gnomAD 0.00001.

Submission:

Labcorp Genetics (formerly Invitae), Labcorp
Classification: Uncertain significance for Spastic paraplegia. Last evaluated: 2021-10-27. Review status: criteria provided, single submitter. Criteria: Invitae Variant Classification Sherloc (09022015). Collection method: clinical testing. Allele origin: germline.
Comment: In summary, the available evidence is currently insufficient to determine the role of this variant in disease. Therefore, it has been classified as a Variant of Uncertain Significance. Algorithms developed to predict the effect of missense changes on protein structure and function are either unavailable or do not agree on the potential impact of this missense change (SIFT: "Deleterious"; PolyPhen-2: "Benign"; Align-GVGD: "Class C0"). This variant has not been reported in the literature in individuals affected with ARSI-related conditions. This variant is not present in population databases (gnomAD no frequency). This sequence change replaces aspartic acid, a(n) acidic and polar amino acid, with tyrosine, a(n) neutral and polar amino acid, at codon 366 of the ARSI protein (p.Asp366Tyr).

NM_001012301.4(ARSI):c.1096G>T (p.Asp366Tyr)

Gene: ARSI (arylsulfatase family member I; minus strand). Cytogenetic location: 5q32.
Variant type: single nucleotide variant.
Coding change: c.1096G>T on transcript NM_001012301.4 (MANE Select); coding-DNA position 1096, G replaced by T.
Protein change: p.Asp366Tyr; replaces aspartic acid 366 with tyrosine.
Molecular consequence: missense variant.
Genome position (GRCh38, 1-based): chr5:150,297,828, C>A on the plus strand (G>T on the coding strand, the complement: ARSI is on the minus strand). VCF-style: chr5-150297828-C-A. GRCh37 (hg19) VCF-style: chr5-149677391-C-A.
Other names: short protein forms D366Y.
Identifiers: ClinVar variation 1423100 (VCV001423100.6), dbSNP rs764276956, ClinGen allele CA361729559.